The following is an entry in ClinVar:

NM_000363.5(TNNI3):c.74A>C (p.Asn25Thr)

Gene: TNNI3 (troponin I3, cardiac type; minus strand). Cytogenetic location: 19q13.42.
Variant type: single nucleotide variant.
Coding change: c.74A>C on transcript NM_000363.5 (MANE Select); coding-DNA position 74, A replaced by C.
Protein change: p.Asn25Thr; replaces asparagine 25 with threonine.
Molecular consequence: missense variant.
Genome position (GRCh38, 1-based): chr19:55,157,084, T>G on the plus strand (A>C on the coding strand, the complement: TNNI3 is on the minus strand). VCF-style: chr19-55157084-T-G. GRCh37 (hg19) VCF-style: chr19-55668452-T-G.
Other names: c.74A>C (LRG_432t1); short protein forms N25T.
Identifiers: ClinVar variation 524968 (VCV000524968.8), dbSNP rs1555864368, ClinGen allele CA407443026.

ClinVar aggregate classification (germline): Uncertain significance (1 of 4 stars; one submission).

Conditions:
Hypertrophic cardiomyopathy. Also called: HYPERTROPHIC MYOCARDIOPATHY. Identifiers: Orphanet 217569, MedGen C0007194, MeSH D002312, MONDO:0005045, HP:0001639.

Submission:

Labcorp Genetics (formerly Invitae), Labcorp
Classification: Uncertain significance for Hypertrophic cardiomyopathy. Last evaluated: 2021-04-04. Review status: criteria provided, single submitter. Criteria: Invitae Variant Classification Sherloc (09022015). Collection method: clinical testing. Allele origin: germline.
Comment: In summary, the available evidence is currently insufficient to determine the role of this variant in disease. Therefore, it has been classified as a Variant of Uncertain Significance. Algorithms developed to predict the effect of missense changes on protein structure and function do not agree on the potential impact of this missense change (SIFT: "Deleterious"; PolyPhen-2: "Possibly Damaging"; Align-GVGD: "Class C0"). This variant has not been reported in the literature in individuals with TNNI3-related disease. This variant is not present in population databases (ExAC no frequency). This sequence change replaces asparagine with threonine at codon 25 of the TNNI3 protein (p.Asn25Thr). The asparagine residue is highly conserved and there is a small physicochemical difference between asparagine and threonine.